The following is an entry in ClinVar:

ClinVar aggregate classification (germline): Likely benign. Review status: criteria provided, single submitter (1 of 4 stars). 2 submissions from 2 submitters: Likely benign (1). 1 of the submissions does not count toward it. Last evaluated 2023-05-01.

Conditions:
NTRK2-related disorder. Also called: NTRK2-related condition.

Submissions (2):

Labcorp Genetics (formerly Invitae), Labcorp
Classification: Likely benign. Last evaluated: 2023-05-01. Review status: criteria provided, single submitter. Criteria: Invitae Variant Classification Sherloc (09022015). Collection method: clinical testing. Allele origin: germline.

PreventionGenetics, part of Exact Sciences
Classification: Likely benign for NTRK2-related condition. Last evaluated: 2022-06-29. Review status: no assertion criteria provided. Collection method: clinical testing. Allele origin: germline. Not counted in ClinVar's aggregate classification.
Comment: This variant is classified as likely benign based on ACMG/AMP sequence variant interpretation guidelines (Richards et al. 2015 PMID: 25741868, with internal and published modifications).

NM_006180.6(NTRK2):c.1665T>C (p.Val555=)

Gene: NTRK2 (neurotrophic receptor tyrosine kinase 2; plus strand). Cytogenetic location: 9q21.33.
Variant type: single nucleotide variant.
Coding change: c.1665T>C on transcript NM_006180.6 (MANE Select); coding-DNA position 1665, T replaced by C.
Protein change: p.Val555=; no amino-acid change (valine 555 retained).
Molecular consequence: synonymous variant.
Genome position (GRCh38, 1-based): chr9:84,934,193, T>C. VCF-style: chr9-84934193-T-C. GRCh37 (hg19) VCF-style: chr9-87549108-T-C.
Other names: c.1617T>C, p.Val539= (NM_001018064.3, NM_001369532.1, NM_001369533.1); c.1581T>C, p.Val527= (NM_001369534.1); c.1149T>C, p.Val383= (NM_001369535.1); c.1197T>C, p.Val399= (NM_001369536.1); c.1665T>C, p.Val555= (NM_001381928.1); c.1665T>C (NM_006180.4).
Identifiers: ClinVar variation 1902665 (VCV001902665.6), dbSNP rs2132718708, ClinGen allele CA465895184.